The following is an entry in ClinVar:

NM_001204.7(BMPR2):c.1952C>T (p.Pro651Leu)

Gene: BMPR2 (bone morphogenetic protein receptor type 2; plus strand). Cytogenetic location: 2q33.2.
Variant type: single nucleotide variant.
Coding change: c.1952C>T on transcript NM_001204.7 (MANE Select); coding-DNA position 1952, C replaced by T.
Protein change: p.Pro651Leu; replaces proline 651 with leucine.
Molecular consequence: missense variant.
Genome position (GRCh38, 1-based): chr2:202,555,617, C>T. VCF-style: chr2-202555617-C-T. GRCh37 (hg19) VCF-style: chr2-203420340-C-T.
Other names: short protein forms P651L.
Identifiers: ClinVar variation 4597434 (VCV004597434.1).

ClinVar aggregate classification (germline): Uncertain significance (1 of 4 stars; one submission).

Conditions:
Inborn genetic diseases. Identifiers: MedGen C0950123, MeSH D030342.

Submission:

Ambry Genetics
Classification: Uncertain significance for Inborn genetic diseases. Last evaluated: 2025-10-22. Review status: criteria provided, single submitter. Criteria: Ambry Variant Classification Scheme 2023. Collection method: clinical testing. Allele origin: germline.
Comment: The p.P651L variant (also known as c.1952C>T), located in coding exon 12 of the BMPR2 gene, results from a C to T substitution at nucleotide position 1952. The proline at codon 651 is replaced by leucine, an amino acid with similar properties. This amino acid position is conserved. In addition, the in silico prediction for this alteration is inconclusive. Based on the available evidence, the clinical significance of this variant remains unclear.